The following is an entry in ClinVar:

ClinVar aggregate classification (germline): Uncertain significance (1 of 4 stars; one submission).

Allele frequency attached by ClinVar (database versions not stated): TOPMed below 0.00001.

Submission:

GeneDx
Classification: Uncertain significance. Last evaluated: 2022-10-13. Review status: criteria provided, single submitter. Criteria: GeneDx Variant Classification Process June 2021. Collection method: clinical testing. Allele origin: germline. Affected: yes.
Comment: Not observed at significant frequency in large population cohorts (gnomAD); In silico analysis supports that this missense variant does not alter protein structure/function; Has not been previously published as pathogenic or benign to our knowledge

NM_018480.7(TMEM126B):c.307G>A (p.Ala103Thr)

Gene: TMEM126B (transmembrane protein 126B; plus strand). Cytogenetic location: 11q14.1.
Variant type: single nucleotide variant.
Coding change: c.307G>A on transcript NM_018480.7 (MANE Select); coding-DNA position 307, G replaced by A.
Protein change: p.Ala103Thr; replaces alanine 103 with threonine.
Molecular consequence: missense variant. On other transcripts: intron variant (1).
Genome position (GRCh38, 1-based): chr11:85,634,189, G>A. VCF-style: chr11-85634189-G-A. GRCh37 (hg19) VCF-style: chr11-85345233-G-A.
Other names: c.247G>A, p.Ala83Thr (NM_001193537.3, NM_001350395.2); c.217G>A, p.Ala73Thr (NM_001193538.3, NM_001256546.2, NM_001350396.2); c.169G>A, p.Ala57Thr (NM_001256547.2); c.307G>A, p.Ala103Thr (NM_001350394.2); c.172+13G>A (NM_001350393.1); short protein forms A103T, A57T, A73T, A83T.
Identifiers: ClinVar variation 2499328 (VCV002499328.1), dbSNP rs2082356915, ClinGen allele CA381990617.
Genomic context (GRCh38, chr11:85,634,189, plus strand): 5'-GGTTTCTCTGGAATATTCTCAAACTTCCTGTTCAGACGCTGCTTCAAGGTTAAACATGAT[G>A]CTTTGAAGACATATGCATCATTGGCTACACTTCCATTTTTGTCTACTGTTGTTACTGACA-3'
Protein context (NP_060950.3, residues 93-113): FRRCFKVKHD[Ala103Thr]LKTYASLATL